The following is an entry in ClinVar:

ClinVar aggregate classification (germline): Uncertain significance. Review status: criteria provided, multiple submitters, no conflicts (2 of 4 stars). 2 submissions from 2 submitters: Uncertain significance (2). Last evaluated 2024-06-15.

Conditions:
Nephronophthisis 4 (NPHP4). Also called: NEPHRONOPHTHISIS 4, JUVENILE. Identifiers: Orphanet 655, MedGen C1847013, MONDO:0011752, OMIM 606966.
Senior-Loken syndrome 4 (SLSN4). Identifiers: Orphanet 3156, MedGen C1846979, MONDO:0011756, OMIM 606996.
Nephronophthisis. Also called: Juvenile Nephronophthisis. Identifiers: Orphanet 655, MedGen C0687120, MONDO:0019005, HP:0000090.

Allele frequency attached by ClinVar (database versions not stated): TOPMed below 0.00001.

Submissions (2):

Fulgent Genetics
Classification: Uncertain significance for Nephronophthisis 4; Senior-Loken syndrome 4. Last evaluated: 2024-06-15. Review status: criteria provided, single submitter. Criteria: ACMG Guidelines, 2015. Collection method: clinical testing. Allele origin: germline.

Labcorp Genetics (formerly Invitae), Labcorp
Classification: Uncertain significance for Nephronophthisis. Last evaluated: 2021-12-22. Review status: criteria provided, single submitter. Criteria: Invitae Variant Classification Sherloc (09022015). Collection method: clinical testing. Allele origin: germline.
Comment: In summary, the available evidence is currently insufficient to determine the role of this variant in disease. Therefore, it has been classified as a Variant of Uncertain Significance. Algorithms developed to predict the effect of missense changes on protein structure and function are either unavailable or do not agree on the potential impact of this missense change (SIFT: "Tolerated"; PolyPhen-2: "Possibly Damaging"; Align-GVGD: "Class C0"). This variant has not been reported in the literature in individuals affected with NPHP4-related conditions. This variant is not present in population databases (gnomAD no frequency). This sequence change replaces serine, which is neutral and polar, with cysteine, which is neutral and slightly polar, at codon 402 of the NPHP4 protein (p.Ser402Cys).

NM_015102.5(NPHP4):c.1205C>G (p.Ser402Cys)

Gene: NPHP4 (nephrocystin 4; minus strand). Cytogenetic location: 1p36.31.
Variant type: single nucleotide variant.
Coding change: c.1205C>G on transcript NM_015102.5 (MANE Select); coding-DNA position 1205, C replaced by G.
Protein change: p.Ser402Cys; replaces serine 402 with cysteine.
Molecular consequence: missense variant. On other transcripts: 5 prime UTR variant (2), non-coding transcript variant (1).
Genome position (GRCh38, 1-based): chr1:5,933,244, G>C on the plus strand (C>G on the coding strand, the complement: NPHP4 is on the minus strand). VCF-style: chr1-5933244-G-C. GRCh37 (hg19) VCF-style: chr1-5993304-G-C.
Other names: c.-162C>G (NM_001291593.2, NM_001291594.2); short protein forms S402C.
Identifiers: ClinVar variation 2194083 (VCV002194083.3), dbSNP rs1646369307, ClinGen allele CA338061449.